The following is an entry in ClinVar:

ClinVar aggregate classification (germline): Conflicting classifications of pathogenicity. Review status: criteria provided, conflicting classifications (1 of 4 stars). 3 submissions from 1 submitter: Uncertain significance (1); Benign (1); Likely benign (1). Last evaluated 2018-01-12.

Conditions:
Leber congenital amaurosis 7 (LCA7). Identifiers: Orphanet 65, MedGen C3151192, MONDO:0013449, OMIM 613829.
Retinitis pigmentosa (RP). Identifiers: Orphanet 791, MedGen C0035334, MeSH D012174, MONDO:0019200, OMIM 268000. Inheritance: Autosomal dominant, autosomal recessive and X linked inheritance.
Cone-rod dystrophy 2 (CORD2). Also called: CONE-ROD RETINAL DYSTROPHY; Cone-rod retinal dystrophy 2. Identifiers: Orphanet 1872, MedGen C3489532, MONDO:0007362, OMIM 120970.

Allele frequency attached by ClinVar (database versions not stated): 1000 Genomes Project 0.00220; 1000 Genomes Project 30x 0.00234; gnomAD 0.00339 and 0.00351.

Submissions (3):

Illumina Laboratory Services, Illumina
Classification: Likely benign for Retinitis pigmentosa. Last evaluated: 2018-01-12. Review status: criteria provided, single submitter. Criteria: ICSL Variant Classification Criteria 13 December 2019. Collection method: clinical testing. Allele origin: germline.
Comment: This variant was observed in the ICSL laboratory as part of a predisposition screen in an ostensibly healthy population. It had not been previously curated by ICSL or reported in the Human Gene Mutation Database (HGMD: prior to June 1st, 2018), and was therefore a candidate for classification through an automated scoring system. Utilizing variant allele frequency, disease prevalence and penetrance estimates, and inheritance mode, an automated score was calculated to assess if this variant is too frequent to cause the disease. Based on the score and internal cut-off values, a variant classified as likely benign is not then subjected to further curation. The score for this variant resulted in a classification of likely benign for this disease.

Illumina Laboratory Services, Illumina
Classification: Uncertain significance for Leber congenital amaurosis 7. Last evaluated: 2018-01-12. Review status: criteria provided, single submitter. Criteria: ICSL Variant Classification Criteria 13 December 2019. Collection method: clinical testing. Allele origin: germline.

Illumina Laboratory Services, Illumina
Classification: Benign for Cone-rod dystrophy 2. Last evaluated: 2018-01-12. Review status: criteria provided, single submitter. Criteria: ICSL Variant Classification Criteria 13 December 2019. Collection method: clinical testing. Allele origin: germline.
Comment: This variant was observed in the ICSL laboratory as part of a predisposition screen in an ostensibly healthy population. It had not been previously curated by ICSL or reported in the Human Gene Mutation Database (HGMD: prior to June 1st, 2018), and was therefore a candidate for classification through an automated scoring system. Utilizing variant allele frequency, disease prevalence and penetrance estimates, and inheritance mode, an automated score was calculated to assess if this variant is too frequent to cause the disease. Based on the score and internal cut-off values, a variant classified as benign is not then subjected to further curation. The score for this variant resulted in a classification of benign for this disease.

NM_000554.6(CRX):c.*767G>A

Gene: CRX (cone-rod homeobox; plus strand). Cytogenetic location: 19q13.33.
Variant type: single nucleotide variant.
Coding change: c.*767G>A on transcript NM_000554.6 (MANE Select); 767 bases downstream of the stop codon, G replaced by A.
Molecular consequence: 3 prime UTR variant.
Genome position (GRCh38, 1-based): chr19:47,840,734, G>A. VCF-style: chr19-47840734-G-A. GRCh37 (hg19) VCF-style: chr19-48343991-G-A.
Identifiers: ClinVar variation 329723 (VCV000329723.5), dbSNP rs544037698, ClinGen allele CA10652632.